The following is an entry in ClinVar:

ClinVar aggregate classification (germline): Likely pathogenic (1 of 4 stars; one submission).

Conditions:
Cardiovascular phenotype. Identifiers: MedGen CN230736.

Submission:

Ambry Genetics
Classification: Likely pathogenic for Cardiovascular phenotype. Last evaluated: 2026-04-02. Review status: criteria provided, single submitter. Criteria: Ambry Variant Classification Scheme 2023. Collection method: clinical testing. Allele origin: germline.
Comment: The p.C24452* variant (also known as c.73356C>A), located in coding exon 184 of the TTN gene, results from a C to A substitution at nucleotide position 73356. This changes the amino acid from a cysteine to a stop codon within coding exon 184. This exon is located in the A-band region of the N2-B isoform of the titin protein and is constitutively expressed in TTN transcripts (percent spliced in or PSI 100%). This variant is considered to be rare based on population cohorts in the Genome Aggregation Database (gnomAD). This variant is expected to result in loss of function by premature protein truncation or nonsense-mediated mRNA decay. While truncating variants in TTN are present in 1-3% of the general population, truncating variants in the A-band are the most common cause of dilated cardiomyopathy (Herman DS et al. N. Engl. J. Med., 2012 Feb;366:619-28; Roberts AM et al. Sci Transl Med, 2015 Jan;7:270ra6). TTN truncating variants encoded in constitutive exons (PSI >90%) have been found to be significantly associated with DCM regardless of their position in titin (Schafer S et al. Nat. Genet., 2017 01;49:46-53; Akhtar MM et al. Circ Heart Fail, 2020 Oct;13:e006832; Massier M et al. Clin Genet, 2025 Jan). Based on the majority of available evidence to date, this variant is likely to be pathogenic.

NM_001267550.2(TTN):c.100551C>A (p.Cys33517Ter)

Genes: TTN (titin; minus strand), TTN-AS1 (TTN antisense RNA 1; plus strand). Cytogenetic location: 2q31.2.
Variant type: single nucleotide variant.
Coding change: c.100551C>A on transcript NM_001267550.2 (MANE Select); coding-DNA position 100551, C replaced by A.
Protein change: p.Cys33517Ter; replaces cysteine 33517 with a stop codon.
Molecular consequence: nonsense.
Genome position (GRCh38, 1-based): chr2:178,536,196, G>T on the plus strand (C>A on the coding strand, the complement: TTN is on the minus strand). VCF-style: chr2-178536196-G-T. GRCh37 (hg19) VCF-style: chr2-179400923-G-T.
Other names: c.95628C>A, p.Cys31876Ter (NM_001256850.1); c.73356C>A, p.Cys24452Ter (NM_003319.4); c.92847C>A, p.Cys30949Ter (NM_133378.4); c.73731C>A, p.Cys24577Ter (NM_133432.3); c.73932C>A, p.Cys24644Ter (NM_133437.4); short protein forms C24452*, C24577*, C24644*, C30949*, C31876*, C33517*.
Identifiers: ClinVar variation 4866181 (VCV004866181.1).